The following is an entry in ClinVar:

ClinVar aggregate classification (germline): Uncertain significance (1 of 4 stars; one submission).

gnomAD v4.1: 1 of 1,602,712 alleles (0.000062%); highest among the groups gnomAD compares: Non-Finnish European, 0.000085%; no homozygotes.

Submission:

Mayo Clinic Laboratories, Mayo Clinic
Classification: Uncertain significance. Last evaluated: 2025-01-20. Review status: criteria provided, single submitter. Criteria: ACMG Guidelines, 2015. Collection method: clinical testing. Allele origin: germline. Observed: 1 variant allele.
Comment: BP4_moderate, PM2_supporting

NM_001191061.2(SLC25A22):c.947G>C (p.Gly316Ala)

Gene: SLC25A22 (solute carrier family 25 member 22; minus strand). Cytogenetic location: 11p15.5.
Variant type: single nucleotide variant.
Coding change: c.947G>C on transcript NM_001191061.2 (MANE Select); coding-DNA position 947, G replaced by C.
Protein change: p.Gly316Ala; replaces glycine 316 with alanine.
Molecular consequence: missense variant. On other transcripts: 3 prime UTR variant (2).
Genome position (GRCh38, 1-based): chr11:791,940, C>G on the plus strand (G>C on the coding strand, the complement: SLC25A22 is on the minus strand). VCF-style: chr11-791940-C-G. GRCh37 (hg19) VCF-style: chr11-791940-C-G.
Other names: p.Gly316Ala; c.1022G>C, p.Gly341Ala (NM_001425334.1); c.986G>C, p.Gly329Ala (NM_001425335.1); c.962G>C, p.Gly321Ala (NM_001425336.1); c.947G>C, p.Gly316Ala (NM_001425337.1, NM_001425338.1, NM_001425339.1 and 2 more transcripts); c.944G>C, p.Gly315Ala (NM_001425340.1); c.935G>C, p.Gly312Ala (NM_001425341.1); c.*91G>C (NM_001425342.1); and 2 more; short protein forms G329A, G341A, G312A, G316A, G210A, G315A, G321A.
Identifiers: ClinVar variation 4541601 (VCV004541601.1).